The following is an entry in ClinVar:

ClinVar aggregate classification (germline): Uncertain significance (1 of 4 stars; one submission).

Conditions:
Cardiovascular phenotype. Identifiers: MedGen CN230736.

Submission:

Ambry Genetics
Classification: Uncertain significance for Cardiovascular phenotype. Last evaluated: 2025-10-09. Review status: criteria provided, single submitter. Criteria: Ambry Variant Classification Scheme 2023. Collection method: clinical testing. Allele origin: germline.
Comment: The p.Q281E variant (also known as c.841C>G), located in coding exon 7 of the SPRED1 gene, results from a C to G substitution at nucleotide position 841. The glutamine at codon 281 is replaced by glutamic acid, an amino acid with highly similar properties. This amino acid position is conserved. In addition, this alteration is predicted to be tolerated by in silico analysis. Based on the available evidence, the clinical significance of this variant remains unclear.

NM_152594.3(SPRED1):c.841C>G (p.Gln281Glu)

Gene: SPRED1 (sprouty related EVH1 domain containing 1; plus strand). Cytogenetic location: 15q14.
Variant type: single nucleotide variant.
Coding change: c.841C>G on transcript NM_152594.3 (MANE Select); coding-DNA position 841, C replaced by G.
Protein change: p.Gln281Glu; replaces glutamine 281 with glutamic acid.
Molecular consequence: missense variant.
Genome position (GRCh38, 1-based): chr15:38,351,170, C>G. VCF-style: chr15-38351170-C-G. GRCh37 (hg19) VCF-style: chr15-38643371-C-G.
Other names: short protein forms Q281E.
Identifiers: ClinVar variation 4615014 (VCV004615014.1).